The following is an entry in ClinVar:

NM_001164665.2(KIAA1549):c.2884G>T (p.Ala962Ser)

Gene: KIAA1549 (KIAA1549; minus strand). Cytogenetic location: 7q34.
Variant type: single nucleotide variant.
Coding change: c.2884G>T on transcript NM_001164665.2 (MANE Select); coding-DNA position 2884, G replaced by T.
Protein change: p.Ala962Ser; replaces alanine 962 with serine.
Molecular consequence: missense variant.
Genome position (GRCh38, 1-based): chr7:138,912,455, C>A on the plus strand (G>T on the coding strand, the complement: KIAA1549 is on the minus strand). VCF-style: chr7-138912455-C-A. GRCh37 (hg19) VCF-style: chr7-138597201-C-A.
Other names: c.2884G>T, p.Ala962Ser (NM_020910.3); short protein forms A962S.
Identifiers: ClinVar variation 2044748 (VCV002044748.2), dbSNP rs759638293, ClinGen allele CA167161466.

ClinVar aggregate classification (germline): Uncertain significance (1 of 4 stars; one submission).

Submission:

Labcorp Genetics (formerly Invitae), Labcorp
Classification: Uncertain significance. Last evaluated: 2022-09-06. Review status: criteria provided, single submitter. Criteria: Invitae Variant Classification Sherloc (09022015). Collection method: clinical testing. Allele origin: germline.
Comment: In summary, the available evidence is currently insufficient to determine the role of this variant in disease. Therefore, it has been classified as a Variant of Uncertain Significance. Algorithms developed to predict the effect of missense changes on protein structure and function are either unavailable or do not agree on the potential impact of this missense change (SIFT: "Deleterious"; PolyPhen-2: "Probably Damaging"; Align-GVGD: "Class C0"). This variant has not been reported in the literature in individuals affected with KIAA1549-related conditions. This variant is not present in population databases (gnomAD no frequency). This sequence change replaces alanine, which is neutral and non-polar, with serine, which is neutral and polar, at codon 962 of the KIAA1549 protein (p.Ala962Ser).